The following is an entry in ClinVar:

NM_000245.4(MET):c.3935+5G>T

Gene: MET (MET proto-oncogene, receptor tyrosine kinase; plus strand). Cytogenetic location: 7q31.2.
Variant type: single nucleotide variant.
Coding change: c.3935+5G>T on transcript NM_000245.4 (MANE Select); 5 bases into the intron after coding-DNA position 3935, G replaced by T.
Molecular consequence: intron variant.
Genome position (GRCh38, 1-based): chr7:116,795,796, G>T. VCF-style: chr7-116795796-G-T. GRCh37 (hg19) VCF-style: chr7-116435850-G-T.
Other names: c.3989+5G>T (NM_001127500.3); c.2645+5G>T (NM_001324402.2).
Identifiers: ClinVar variation 3643369 (VCV003643369.2).

ClinVar aggregate classification (germline): Uncertain significance (1 of 4 stars; one submission).

Conditions:
Renal cell carcinoma. Identifiers: Orphanet 217071, MedGen C0007134, MeSH D002292, MONDO:0005086, HP:0005584.

Submission:

Labcorp Genetics (formerly Invitae), Labcorp
Classification: Uncertain significance for Renal cell carcinoma. Last evaluated: 2024-02-26. Review status: criteria provided, single submitter. Criteria: Invitae Variant Classification Sherloc (09022015). Collection method: clinical testing. Allele origin: germline.
Comment: This sequence change falls in intron 20 of the MET gene. It does not directly change the encoded amino acid sequence of the MET protein. It affects a nucleotide within the consensus splice site. This variant is not present in population databases (gnomAD no frequency). This variant has not been reported in the literature in individuals affected with MET-related conditions. Variants that disrupt the consensus splice site are a relatively common cause of aberrant splicing (PMID: 17576681, 9536098). Algorithms developed to predict the effect of sequence changes on RNA splicing suggest that this variant may disrupt the consensus splice site. In summary, the available evidence is currently insufficient to determine the role of this variant in disease. Therefore, it has been classified as a Variant of Uncertain Significance.

Literature cited by the submitters: PubMed 17576681; PubMed 9536098.